The following is an entry in ClinVar:

ClinVar aggregate classification (germline): Uncertain significance. Review status: criteria provided, multiple submitters, no conflicts (2 of 4 stars). 2 submissions from 2 submitters: Uncertain significance (2). Last evaluated 2024-11-26.

Conditions:
Hereditary cancer-predisposing syndrome. Also called: Hereditary neoplastic syndrome; Tumor predisposition; Neoplastic Syndromes, Hereditary; Hereditary Cancer Syndrome. Identifiers: Orphanet 140162, MedGen C0027672, MeSH D009386, MONDO:0015356.

Submissions (2):

Ambry Genetics
Classification: Uncertain significance for Hereditary cancer-predisposing syndrome. Last evaluated: 2024-11-26. Review status: criteria provided, single submitter. Criteria: Ambry Variant Classification Scheme 2023. Collection method: clinical testing. Allele origin: germline.
Comment: The p.Y1287C variant (also known as c.3860A>G), located in coding exon 25 of the RAD50 gene, results from an A to G substitution at nucleotide position 3860. The tyrosine at codon 1287 is replaced by cysteine, an amino acid with highly dissimilar properties. This amino acid position is conserved. In addition, this alteration is predicted to be deleterious by in silico analysis. Based on the available evidence, the clinical significance of this variant remains unclear.

Labcorp Genetics (formerly Invitae), Labcorp
Classification: Uncertain significance for Hereditary cancer-predisposing syndrome. Last evaluated: 2023-05-11. Review status: criteria provided, single submitter. Criteria: Invitae Variant Classification Sherloc (09022015). Collection method: clinical testing. Allele origin: germline.
Comment: This sequence change replaces tyrosine, which is neutral and polar, with cysteine, which is neutral and slightly polar, at codon 1287 of the RAD50 protein (p.Tyr1287Cys). This variant is not present in population databases (gnomAD no frequency). This variant has not been reported in the literature in individuals affected with RAD50-related conditions. ClinVar contains an entry for this variant (Variation ID: 954833). Advanced modeling of protein sequence and biophysical properties (such as structural, functional, and spatial information, amino acid conservation, physicochemical variation, residue mobility, and thermodynamic stability) performed at Invitae indicates that this missense variant is expected to disrupt RAD50 protein function. In summary, the available evidence is currently insufficient to determine the role of this variant in disease. Therefore, it has been classified as a Variant of Uncertain Significance.

NM_005732.4(RAD50):c.3860A>G (p.Tyr1287Cys)

Genes: TH2LCRR (T helper type 2 locus control region associated RNA; minus strand), RAD50 (RAD50 double strand break repair protein; plus strand). Cytogenetic location: 5q31.1.
Variant type: single nucleotide variant.
Coding change: c.3860A>G on transcript NM_005732.4 (MANE Select); coding-DNA position 3860, A replaced by G.
Protein change: p.Tyr1287Cys; replaces tyrosine 1287 with cysteine.
Molecular consequence: missense variant.
Genome position (GRCh38, 1-based): chr5:132,642,285, A>G. VCF-style: chr5-132642285-A-G. GRCh37 (hg19) VCF-style: chr5-131977977-A-G.
Other names: short protein forms Y1287C.
Identifiers: ClinVar variation 954833 (VCV000954833.11), dbSNP rs1751743134, ClinGen allele CA360936986.
Genomic context (GRCh38, chr5:132,642,285, plus strand): 5'-TCACTCATGATGAAGATTTTGTGGAGCTTTTAGGACGTTCTGAATATGTGGAGAAATTCT[A>G]CAGGATTAAAAAGAACATCGATCAGTGCTCAGAGATTGTGAAATGCAGTGTTAGCTCCCT-3'
Protein context (NP_005723.2, residues 1277-1297): LGRSEYVEKF[Tyr1287Cys]RIKKNIDQCS